The following is an entry in ClinVar:

ClinVar aggregate classification (germline): Likely benign. Review status: criteria provided, multiple submitters, no conflicts (2 of 4 stars). 5 submissions from 5 submitters: Likely benign (5). Last evaluated 2024-08-01.

Conditions:
Breast-ovarian cancer, familial, susceptibility to, 1 (BROVCA1). Also called: BRCA1 Hereditary Breast and Ovarian Cancer; OVARIAN CANCER, SUSCEPTIBILITY TO. Identifiers: Orphanet 145, MedGen C2676676, MONDO:0011450, OMIM 604370. Disease mechanism: loss of function.
Hereditary breast ovarian cancer syndrome. Also called: Hereditary breast and ovarian cancer syndrome; Breast and ovarian cancer; Hereditary breast and ovarian cancer syndrome (HBOC); Hereditary breast and/or ovarian cancer syndrome; BRCA1- and BRCA2-Associated Hereditary Breast and Ovarian Cancer; Hereditary breast and ovarian cancer. Identifiers: Orphanet 145, MedGen C0677776, MeSH D061325, MONDO:0003582. Disease mechanism: loss of function.
Hereditary cancer-predisposing syndrome. Also called: Neoplastic Syndromes, Hereditary; Hereditary neoplastic syndrome; Hereditary Cancer Syndrome; Tumor predisposition. Identifiers: Orphanet 140162, MedGen C0027672, MeSH D009386, MONDO:0015356.

Allele frequency attached by ClinVar (database versions not stated): gnomAD exomes below 0.00001.
gnomAD v4.1: 3 of 1,614,236 alleles (0.00019%); highest among the groups gnomAD compares: Non-Finnish European, 0.00025%; no homozygotes.

Submissions (5):

Labcorp Genetics (formerly Invitae), Labcorp
Classification: Likely benign for Hereditary breast ovarian cancer syndrome. Last evaluated: 2024-08-01. Review status: criteria provided, single submitter. Criteria: Invitae Variant Classification Sherloc (09022015). Collection method: clinical testing. Allele origin: germline.

All of Us Research Program, National Institutes of Health
Classification: Likely benign for Breast-ovarian cancer, familial, susceptibility to, 1. Last evaluated: 2024-01-11. Review status: criteria provided, single submitter. Criteria: ACMG Guidelines, 2015. Collection method: clinical testing. Allele origin: germline. Inheritance: Autosomal dominant inheritance. Observed: 2 variant alleles, 2 heterozygotes.
Comment: This study involves interpretation of variants in research participants for the purpose of population health screening. Participant phenotype was not available at the time of variant classification. Additional details can be found in publication PMID: 35346344, PMCID: PMC8962531

Color Diagnostics, LLC DBA Color Health
Classification: Likely benign for Hereditary cancer-predisposing syndrome. Last evaluated: 2020-01-05. Review status: criteria provided, single submitter. Criteria: ACMG Guidelines, 2015. Collection method: clinical testing. Allele origin: germline.

Ambry Genetics
Classification: Likely benign for Hereditary cancer-predisposing syndrome. Last evaluated: 2017-07-25. Review status: criteria provided, single submitter. Criteria: Ambry Variant Classification Scheme 2023. Collection method: clinical testing. Allele origin: germline.

GeneDx
Classification: Likely benign. Last evaluated: 2015-12-17. Review status: criteria provided, single submitter. Criteria: GeneDx Variant Classification (06012015). Collection method: clinical testing. Allele origin: germline. Affected: yes.
Comment: This variant is considered likely benign or benign based on one or more of the following criteria: it is a conservative change, it occurs at a poorly conserved position in the protein, it is predicted to be benign by multiple in silico algorithms, and/or has population frequency not consistent with disease.

NM_007294.4(BRCA1):c.3897G>A (p.Gln1299=)

Genes: BRCA1 (BRCA1 DNA repair associated; minus strand), LOC126862571 (BRD4-independent group 4 enhancer GRCh37_chr17:41243136-41244335; plus strand). Cytogenetic location: 17q21.31.
Variant type: single nucleotide variant.
Coding change: c.3897G>A on transcript NM_007294.4 (MANE Select); coding-DNA position 3897, G replaced by A.
Protein change: p.Gln1299=; no amino-acid change (glutamine 1299 retained).
Molecular consequence: synonymous variant. On other transcripts: intron variant (135).
Genome position (GRCh38, 1-based): chr17:43,091,634, C>T on the plus strand (G>A on the coding strand, the complement: BRCA1 is on the minus strand). VCF-style: chr17-43091634-C-T. GRCh37 (hg19) VCF-style: chr17-41243651-C-T.
Other names: c.3684G>A, p.Gln1228= (NM_001407571.1, NM_001407853.1, NM_001407894.1 and 9 more transcripts); c.3897G>A, p.Gln1299= (NM_001407581.1, NM_001407582.1, NM_001407583.1 and 30 more transcripts); c.3894G>A, p.Gln1298= (NM_001407587.1, NM_001407590.1, NM_001407591.1 and 22 more transcripts); c.3888G>A, p.Gln1296= (NM_001407646.1, NM_001407647.1); c.3774G>A, p.Gln1258= (NM_001407648.1, NM_001407664.1, NM_001407665.1 and 19 more transcripts); c.3771G>A, p.Gln1257= (NM_001407649.1, NM_001407670.1, NM_001407671.1 and 11 more transcripts); c.3819G>A, p.Gln1273= (NM_001407653.1, NM_001407654.1, NM_001407655.1 and 4 more transcripts); c.3816G>A, p.Gln1272= (NM_001407659.1, NM_001407660.1, NM_001407661.1 and 1 more transcripts); and 41 more.
Identifiers: ClinVar variation 379171 (VCV000379171.20), dbSNP rs398122678, ClinGen allele CA16608441.